The following is an entry in ClinVar:

ClinVar aggregate classification (germline): Uncertain significance (1 of 4 stars; one submission).

Submission:

GeneDx
Classification: Uncertain significance. Last evaluated: 2024-05-05. Review status: criteria provided, single submitter. Criteria: GeneDx Variant Classification Process June 2021. Collection method: clinical testing. Allele origin: germline.
Comment: Not observed at significant frequency in large population cohorts (gnomAD); In silico analysis indicates that this missense variant does not alter protein structure/function; Has not been previously published as pathogenic or benign to our knowledge; Variants in candidate genes are classified as variants of uncertain significance in accordance with ACMG guidelines (PMID: 25741868)

NM_001103146.3(GIGYF2):c.3577G>C (p.Glu1193Gln)

Gene: GIGYF2 (GRB10 interacting GYF protein 2; plus strand). Cytogenetic location: 2q37.1.
Variant type: single nucleotide variant.
Coding change: c.3577G>C on transcript NM_001103146.3 (MANE Select); coding-DNA position 3577, G replaced by C.
Protein change: p.Glu1193Gln; replaces glutamic acid 1193 with glutamine.
Molecular consequence: missense variant. On other transcripts: non-coding transcript variant (1).
Genome position (GRCh38, 1-based): chr2:232,847,464, G>C. VCF-style: chr2-232847464-G-C. GRCh37 (hg19) VCF-style: chr2-233712174-G-C.
Other names: c.3640G>C, p.Glu1214Gln (NM_001103147.2); c.3559G>C, p.Glu1187Gln (NM_001103148.2); c.3577G>C, p.Glu1193Gln (NM_015575.4); short protein forms E1187Q, E1193Q, E1214Q.
Identifiers: ClinVar variation 4891478 (VCV004891478.1).